The following is an entry in ClinVar:

ClinVar aggregate classification (germline): Uncertain significance (1 of 4 stars; one submission).

Conditions:
CERT1-related disorder. Also called: CERT1-related condition.

Submission:

PreventionGenetics, part of Exact Sciences
Classification: Uncertain significance for CERT1-related condition. Last evaluated: 2025-12-27. Review status: criteria provided, single submitter. Criteria: ACMG Guidelines, 2015. Collection method: clinical testing. Allele origin: germline.
Comment: The CERT1 c.2215T>A variant is predicted to result in the amino acid substitution p.Ser739Thr. To our knowledge, this variant has not been reported in the literature or in a large population database (gnomAD), indicating this variant is rare. At this time, the clinical significance of this variant is uncertain due to the absence of conclusive functional and genetic evidence.

NM_001379029.1(CERT1):c.1831T>A (p.Ser611Thr)

Gene: CERT1 (ceramide transporter 1; minus strand). Cytogenetic location: 5q13.3.
Variant type: single nucleotide variant.
Coding change: c.1831T>A on transcript NM_001379029.1 (MANE Select); coding-DNA position 1831, T replaced by A.
Protein change: p.Ser611Thr; replaces serine 611 with threonine.
Molecular consequence: missense variant. On other transcripts: intron variant (1).
Genome position (GRCh38, 1-based): chr5:75,379,390, A>T on the plus strand (T>A on the coding strand, the complement: CERT1 is on the minus strand). VCF-style: chr5-75379390-A-T. GRCh37 (hg19) VCF-style: chr5-74675215-A-T.
Other names: c.2215T>A, p.Ser739Thr (NM_001130105.1); c.1831T>A, p.Ser611Thr (NM_001379002.1, NM_005713.3); c.1753T>A, p.Ser585Thr (NM_001379003.1, NM_031361.3); c.1669+1682T>A (NM_001379004.1); short protein forms S611T, S739T, S585T.
Identifiers: ClinVar variation 4995572 (VCV004995572.1).
Genomic context (GRCh38, chr5:75,379,390, plus strand): 5'-CTAGTACCTGTTAATACTAGAACAAAATAGGCTTTCCTGCAGTTTTTTCTTGGACGTAAG[A>T]AGTAAAACGTTTTAGAAATTTAGGATACTCTCGCTTTGCCACTGCCCTTAACACTGAGGC-3'
Protein context (NP_001365958.1, residues 601-621): EYPKFLKRFT[Ser611Thr]YVQEKTAGKP